The following is an entry in ClinVar:

NM_001370259.2(MEN1):c.330G>A (p.Gly110=)

Gene: MEN1 (menin 1; minus strand). Cytogenetic location: 11q13.1.
Variant type: single nucleotide variant.
Coding change: c.330G>A on transcript NM_001370259.2 (MANE Select); coding-DNA position 330, G replaced by A.
Protein change: p.Gly110=; no amino-acid change (glycine 110 retained).
Molecular consequence: synonymous variant. On other transcripts: non-coding transcript variant (4).
Genome position (GRCh38, 1-based): chr11:64,809,780, C>T on the plus strand (G>A on the coding strand, the complement: MEN1 is on the minus strand). VCF-style: chr11-64809780-C-T. GRCh37 (hg19) VCF-style: chr11-64577252-C-T.
Other names: c.330G>A, p.Gly110= (NM_130803.3, NM_130804.3, NM_000244.4 and 20 more transcripts).
Identifiers: ClinVar variation 3773509 (VCV003773509.1).
Genomic context (GRCh38, chr11:64,809,780, plus strand): 5'-GCTGAGGCTGTTCCATATGACATCGGAGACCTTCTTCACCAGCTCACGGCTGGAGACACC[C>T]CCTTCTCGAGGATAGAGGGACAGGTCGACGGCGCCTCGGATCTGGGCGGTGAAGCGGGCA-3'
Protein context (NP_001357188.2, residues 100-120): AVDLSLYPRE[Gly110=]GVSSRELVKK

ClinVar aggregate classification (germline): Benign (1 of 4 stars; one submission).

Conditions:
Multiple endocrine neoplasia, type 1 (MEN1). Also called: MEN I; WERMER SYNDROME; Endocrine adenomatosis multiple; MEN 1; MEA I. Identifiers: Orphanet 652, MedGen C0025267, MeSH D018761, MONDO:0007540, OMIM 131100.

Submission:

Myriad Genetics, Inc.
Classification: Benign for Multiple endocrine neoplasia, type 1. Last evaluated: 2024-10-31. Review status: criteria provided, single submitter. Criteria: Myriad Autosomal Dominant, Autosomal Recessive and X-Linked Classification Criteria (2023). Collection method: clinical testing. Allele origin: unknown.
Comment: This variant is considered benign. This variant is a silent/synonymous amino acid change and it is not expected to impact splicing.